The following is an entry in ClinVar:

NM_017882.3(CLN6):c.377_378delinsG (p.Ile126fs)

Gene: CLN6 (CLN6 transmembrane ER protein; minus strand). Cytogenetic location: 15q23.
Variant type: Indel.
Coding change: c.377_378delinsG on transcript NM_017882.3 (MANE Select); coding-DNA positions 377 to 378, TC replaced by G.
Protein change: p.Ile126fs; shifts the reading frame from isoleucine 126.
Molecular consequence: frameshift variant.
Genome position (GRCh38, 1-based): chr15:68,211,783-68,211,784, GA replaced by C on the plus strand (TC replaced by G on the coding strand, the reverse complement: CLN6 is on the minus strand). VCF-style: chr15-68211783-GA-C. GRCh37 (hg19) VCF-style: chr15-68504121-GA-C.
Other names: c.473_474delTCinsG, p.Ile158Serfs (NM_001411068.1); short protein forms I126fs.
Identifiers: ClinVar variation 1724445 (VCV001724445.3), dbSNP rs2505409451, ClinGen allele CA2580089903.
Genomic context (GRCh38, chr15:68,211,783, plus strand): 5'-CAGGTGGTGCTGGTAGCCACTGAAGAGCAGGCGGTGGTTGACAGAGTCACCCACCAGGTG[GA>C]TGCTGGCACCCATGATGAAGATGATGATGCTCACGTACGTGATGGAGCGTGGCAGGGTGC-3'

ClinVar aggregate classification (germline): Likely pathogenic (1 of 4 stars; one submission).

Conditions:
Neuronal ceroid lipofuscinosis. Also called: Neuronal Ceroid Lipofuscinoses. Identifiers: Orphanet 216, Orphanet 79263, MedGen C0027877, MONDO:0016295. Disease mechanism: loss of function.

Submission:

Myriad Genetics, Inc.
Classification: Likely pathogenic for Neuronal ceroid lipofuscinosis. Last evaluated: 2022-02-17. Review status: criteria provided, single submitter. Criteria: Myriad Autosomal Dominant, Autosomal Recessive and X-Linked Classification Criteria (2023). Collection method: clinical testing. Allele origin: unknown.
Comment: NM_017882.2(CLN6):c.377_378delTCinsG(I126Sfs*37) is expected to be pathogenic in the context of neuronal ceroid lipofuscinosis, CLN6-related. This variant is predicted to lead to an abnormal or absent protein product due to the creation of a premature termination codon in CLN6, a gene where loss-of-function variants are known to be pathogenic. Please note: this variant was assessed in the context of healthy population screening.